The following is an entry in ClinVar:

ClinVar aggregate classification (germline): Conflicting classifications of pathogenicity. Review status: criteria provided, conflicting classifications (1 of 4 stars). 2 submissions from 2 submitters: Uncertain significance (1); Likely benign (1). Last evaluated 2025-03-18.

Conditions:
Developmental and epileptic encephalopathy, 42 (DEE42A). Also called: DEVELOPMENTAL AND EPILEPTIC ENCEPHALOPATHY 42A; EPILEPTIC ENCEPHALOPATHY, EARLY INFANTILE, 42A; Epileptic encephalopathy, early infantile, 42. Identifiers: MedGen C4310716, MONDO:0014917, OMIM 617106.
Episodic ataxia type 2 (EA2). Also called: ACETAZOLAMIDE-RESPONSIVE HEREDITARY PAROXYSMAL CEREBELLAR ATAXIA; EPISODIC ATAXIA, NYSTAGMUS-ASSOCIATED; ATAXIA, EPISODIC, WITH NYSTAGMUS; ATAXIA, FAMILIAL PAROXYSMAL; CEREBELLAR ATAXIA, PAROXYSMAL, ACETAZOLAMIDE-RESPONSIVE; CEREBELLOPATHY, HEREDITARY PAROXYSMAL. Identifiers: Orphanet 97, MedGen C1720416, MONDO:0007163, OMIM 108500.

Allele frequency attached by ClinVar (database versions not stated): TOPMed 0.00002; gnomAD exomes 0.00003; ExAC 0.00005.
gnomAD v4.1: 7 of 1,545,568 alleles (0.00045%); highest among the groups gnomAD compares: East Asian, 0.0024%; no homozygotes.

Submissions (2):

Labcorp Genetics (formerly Invitae), Labcorp
Classification: Likely benign for Developmental and epileptic encephalopathy, 42; Episodic ataxia type 2. Last evaluated: 2025-03-18. Review status: criteria provided, single submitter. Criteria: Invitae Variant Classification Sherloc (09022015). Collection method: clinical testing. Allele origin: germline.

GeneDx
Classification: Uncertain significance. Last evaluated: 2022-08-18. Review status: criteria provided, single submitter. Criteria: GeneDx Variant Classification Process June 2021. Collection method: clinical testing. Allele origin: germline. Affected: yes.
Comment: In silico analysis supports that this missense variant does not alter protein structure/function; Has not been previously published as pathogenic or benign to our knowledge

NM_001127222.2(CACNA1A):c.6722G>A (p.Arg2241Gln)

Genes: CACNA1A (calcium voltage-gated channel subunit alpha1 A; minus strand), LOC130063717 (ATAC-STARR-seq lymphoblastoid silent region 10203; plus strand). Cytogenetic location: 19p13.13.
Variant type: single nucleotide variant.
Coding change: c.6722G>A on transcript NM_001127222.2 (MANE Select); coding-DNA position 6722, G replaced by A.
Protein change: p.Arg2241Gln; replaces arginine 2241 with glutamine.
Molecular consequence: missense variant.
Genome position (GRCh38, 1-based): chr19:13,208,814, C>T on the plus strand (G>A on the coding strand, the complement: CACNA1A is on the minus strand). VCF-style: chr19-13208814-C-T. GRCh37 (hg19) VCF-style: chr19-13319628-C-T.
Other names: c.6740G>A, p.Arg2247Gln (NM_000068.4, NM_023035.3); c.6725G>A, p.Arg2242Gln (NM_001127221.2); c.6731G>A, p.Arg2244Gln (NM_001174080.2); short protein forms R2241Q, R2242Q, R2244Q, R2247Q.
Identifiers: ClinVar variation 1017259 (VCV001017259.15), dbSNP rs773057074, ClinGen allele CA9239281.